The following is an entry in ClinVar:

NM_004539.4(NARS1):c.1376C>T (p.Thr459Ile)

Gene: NARS1 (asparaginyl-tRNA synthetase 1; minus strand). Cytogenetic location: 18q21.31.
Variant type: single nucleotide variant.
Coding change: c.1376C>T on transcript NM_004539.4 (MANE Select); coding-DNA position 1376, C replaced by T.
Protein change: p.Thr459Ile; replaces threonine 459 with isoleucine.
Molecular consequence: missense variant.
Genome position (GRCh38, 1-based): chr18:57,602,819, G>A on the plus strand (C>T on the coding strand, the complement: NARS1 is on the minus strand). VCF-style: chr18-57602819-G-A. GRCh37 (hg19) VCF-style: chr18-55270051-G-A.
Other names: c.1376C>T (NM_004539.3); short protein forms T459I.
Identifiers: ClinVar variation 1077117 (VCV001077117.3), dbSNP rs774597440, ClinGen allele CA8973436.

ClinVar aggregate classification (germline): Uncertain significance. Review status: criteria provided, multiple submitters, no conflicts (2 of 4 stars). 2 submissions from 2 submitters: Uncertain significance (2). Last evaluated 2021-05-10.

Conditions:
Neurodevelopmental disorder with microcephaly, impaired language, and gait abnormalities. Identifiers: MedGen C5436783, MONDO:0100348, OMIM 619091.

Allele frequency attached by ClinVar (database versions not stated): ExAC 0.00001; gnomAD 0.00001; gnomAD exomes 0.00001 and 0.00002.
gnomAD v4.1: 36 of 1,613,866 alleles (0.0022%); highest among the groups gnomAD compares: Non-Finnish European, 0.0029%; no homozygotes.

Submissions (2):

SIB Swiss Institute of Bioinformatics
Classification: Uncertain significance for Neurodevelopmental disorder with microcephaly, impaired language, and gait abnormalities. Last evaluated: 2021-05-10. Review status: criteria provided, single submitter. Criteria: ACMG Guidelines, 2015. Collection method: curation. Allele origin: unknown.
Comment: This variant is interpreted as a variant of uncertain significance for Neurodevelopmental disorder with microcephaly, impaired language, and gait abnormalities, autosomal recessive. The following ACMG Tag(s) were applied: Absent from controls (or at extremely low frequency if recessive) in Exome Sequencing Project, 1000 Genomes Project, or Exome Aggregation Consortium (PM2); Multiple lines of computational evidence support a deleterious effect on the gene or gene product (PP3).

GeneDx
Classification: Uncertain significance. Last evaluated: 2019-11-04. Review status: criteria provided, single submitter. Criteria: GeneDx Variant Classification Process June 2021. Collection method: clinical testing. Allele origin: germline. Affected: yes.
Comment: In silico analysis, which includes protein predictors and evolutionary conservation, supports a deleterious effect; Has not been previously published as pathogenic or benign to our knowledge; Variants in candidate genes are classified as variants of uncertain significance in accordance with ACMG guidelines (Richards et al., 2015); This variant is associated with the following publications: (PMID: 32738225)

Literature cited by the submitters: PubMed 32738225 (cited by SIB Swiss Institute of Bioinformatics).